The following is an entry in ClinVar:

NM_004655.4(AXIN2):c.1766G>A (p.Gly589Asp)

Gene: AXIN2 (axin 2; minus strand). Cytogenetic location: 17q24.1.
Variant type: single nucleotide variant.
Coding change: c.1766G>A on transcript NM_004655.4 (MANE Select); coding-DNA position 1766, G replaced by A.
Protein change: p.Gly589Asp; replaces glycine 589 with aspartic acid.
Molecular consequence: missense variant. On other transcripts: intron variant (1).
Genome position (GRCh38, 1-based): chr17:65,537,010, C>T on the plus strand (G>A on the coding strand, the complement: AXIN2 is on the minus strand). VCF-style: chr17-65537010-C-T. GRCh37 (hg19) VCF-style: chr17-63533128-C-T.
Other names: c.1766G>A (LRG_296t1); c.1712+314G>A (NM_001363813.1); short protein forms G589D.
Identifiers: ClinVar variation 660093 (VCV000660093.9), dbSNP rs1598097921, ClinGen allele CA400676660.
Genomic context (GRCh38, chr17:65,537,010, plus strand): 5'-GGAAGCTGCAGGGCCCCAGCTCCGCCGGGGGCCCCTCCTTCCCTGGCGGGCAGGGCCAGG[C>T]CCGGCTCCGTGCCTTTCCCATTGCGTTTGGGCAAGGTACTGCCTCTGCTGCCGCTGTGGG-3'
Protein context (NP_004646.3, residues 579-599): PKRNGKGTEP[Gly589Asp]LALPAREGGA

ClinVar aggregate classification (germline): Uncertain significance. Review status: criteria provided, multiple submitters, no conflicts (2 of 4 stars). 2 submissions from 2 submitters: Uncertain significance (2). Last evaluated 2025-07-25.

Conditions:
Oligodontia-cancer predisposition syndrome. Also called: TOOTH AGENESIS-COLORECTAL CANCER SYNDROME. Identifiers: Orphanet 300576, MedGen C1837750, MONDO:0012075, OMIM 608615. Disease mechanism: loss of function.
Hereditary cancer-predisposing syndrome. Also called: Hereditary neoplastic syndrome; Neoplastic Syndromes, Hereditary; Hereditary Cancer Syndrome; Tumor predisposition. Identifiers: Orphanet 140162, MedGen C0027672, MeSH D009386, MONDO:0015356.

Submissions (2):

Ambry Genetics
Classification: Uncertain significance for Hereditary cancer-predisposing syndrome. Last evaluated: 2025-07-25. Review status: criteria provided, single submitter. Criteria: Ambry Variant Classification Scheme 2023. Collection method: clinical testing. Allele origin: germline.
Comment: The p.G589D variant (also known as c.1766G>A), located in coding exon 6 of the AXIN2 gene, results from a G to A substitution at nucleotide position 1766. The glycine at codon 589 is replaced by aspartic acid, an amino acid with similar properties. This amino acid position is conserved. In addition, this alteration is predicted to be tolerated by in silico analysis. Based on the available evidence, the clinical significance of this variant remains unclear.

Labcorp Genetics (formerly Invitae), Labcorp
Classification: Uncertain significance for Oligodontia-cancer predisposition syndrome. Last evaluated: 2018-10-30. Review status: criteria provided, single submitter. Criteria: Invitae Variant Classification Sherloc (09022015). Collection method: clinical testing. Allele origin: germline.
Comment: In summary, the available evidence is currently insufficient to determine the role of this variant in disease. Therefore, it has been classified as a Variant of Uncertain Significance. Algorithms developed to predict the effect of missense changes on protein structure and function do not agree on the potential impact of this missense change (SIFT: "Deleterious"; PolyPhen-2: "Benign"; Align-GVGD: "Class C0"). This variant has not been reported in the literature in individuals with AXIN2-related disease. This variant is not present in population databases (ExAC no frequency). This sequence change replaces glycine with aspartic acid at codon 589 of the AXIN2 protein (p.Gly589Asp). The glycine residue is moderately conserved and there is a moderate physicochemical difference between glycine and aspartic acid.